The following is an entry in ClinVar:

NM_015909.4(NBAS):c.1486G>T (p.Val496Leu)

Gene: NBAS (NBAS subunit of NRZ tethering complex; minus strand). Cytogenetic location: 2p24.3.
Variant type: single nucleotide variant.
Coding change: c.1486G>T on transcript NM_015909.4 (MANE Select); coding-DNA position 1486, G replaced by T.
Protein change: p.Val496Leu; replaces valine 496 with leucine.
Molecular consequence: missense variant. On other transcripts: non-coding transcript variant (1).
Genome position (GRCh38, 1-based): chr2:15,474,180, C>A on the plus strand (G>T on the coding strand, the complement: NBAS is on the minus strand). VCF-style: chr2-15474180-C-A. GRCh37 (hg19) VCF-style: chr2-15614304-C-A.
Other names: short protein forms V496L.
Identifiers: ClinVar variation 1997093 (VCV001997093.4), dbSNP rs2528138819, ClinGen allele CA345888364.

ClinVar aggregate classification (germline): Uncertain significance (1 of 4 stars; one submission).

Allele frequency attached by ClinVar (database versions not stated): gnomAD exomes 0.00001.
gnomAD v4.1: 6 of 1,614,094 alleles (0.00037%); highest among the groups gnomAD compares: Non-Finnish European, 0.00051%; no homozygotes.

Submission:

Labcorp Genetics (formerly Invitae), Labcorp
Classification: Uncertain significance. Last evaluated: 2024-02-24. Review status: criteria provided, single submitter. Criteria: Invitae Variant Classification Sherloc (09022015). Collection method: clinical testing. Allele origin: germline.
Comment: This sequence change replaces valine, which is neutral and non-polar, with leucine, which is neutral and non-polar, at codon 496 of the NBAS protein (p.Val496Leu). This variant is not present in population databases (gnomAD no frequency). This variant has not been reported in the literature in individuals affected with NBAS-related conditions. ClinVar contains an entry for this variant (Variation ID: 1997093). Advanced modeling of protein sequence and biophysical properties (such as structural, functional, and spatial information, amino acid conservation, physicochemical variation, residue mobility, and thermodynamic stability) performed at Invitae indicates that this missense variant is not expected to disrupt NBAS protein function with a negative predictive value of 95%. In summary, the available evidence is currently insufficient to determine the role of this variant in disease. Therefore, it has been classified as a Variant of Uncertain Significance.